The following is an entry in ClinVar:

NM_004415.4(DSP):c.7612C>T (p.Leu2538Phe)

Gene: DSP (desmoplakin; plus strand). Cytogenetic location: 6p24.3.
Variant type: single nucleotide variant.
Coding change: c.7612C>T on transcript NM_004415.4 (MANE Select); coding-DNA position 7612, C replaced by T.
Protein change: p.Leu2538Phe; replaces leucine 2538 with phenylalanine.
Molecular consequence: missense variant.
Genome position (GRCh38, 1-based): chr6:7,584,874, C>T. VCF-style: chr6-7584874-C-T. GRCh37 (hg19) VCF-style: chr6-7585107-C-T.
Other names: c.5815C>T, p.Leu1939Phe (NM_001008844.3); c.6283C>T, p.Leu2095Phe (NM_001319034.2); short protein forms L1939F, L2095F, L2538F.
Identifiers: ClinVar variation 1759809 (VCV001759809.2), dbSNP rs1759583454, ClinGen allele CA362693395.

ClinVar aggregate classification (germline): Uncertain significance (1 of 4 stars; one submission).

Conditions:
Cardiovascular phenotype. Identifiers: MedGen CN230736.

Allele frequency attached by ClinVar (database versions not stated): gnomAD exomes below 0.00001; TOPMed below 0.00001.
gnomAD v4.1: 1 of 1,614,170 alleles (0.000062%); highest among the groups gnomAD compares: African/African-American, 0.0013%; no homozygotes.

Submission:

Ambry Genetics
Classification: Uncertain significance for Cardiovascular phenotype. Last evaluated: 2022-10-02. Review status: criteria provided, single submitter. Criteria: Ambry Variant Classification Scheme 2023. Collection method: clinical testing. Allele origin: germline.
Comment: The p.L2538F variant (also known as c.7612C>T), located in coding exon 24 of the DSP gene, results from a C to T substitution at nucleotide position 7612. The leucine at codon 2538 is replaced by phenylalanine, an amino acid with highly similar properties. This amino acid position is conserved. In addition, this alteration is predicted to be tolerated by in silico analysis. Since supporting evidence is limited at this time, the clinical significance of this alteration remains unclear.